The following is an entry in ClinVar:

NM_198578.4(LRRK2):c.5975A>G (p.Tyr1992Cys)

Gene: LRRK2 (leucine rich repeat kinase 2; plus strand). Cytogenetic location: 12q12.
Variant type: single nucleotide variant.
Coding change: c.5975A>G on transcript NM_198578.4 (MANE Select); coding-DNA position 5975, A replaced by G.
Protein change: p.Tyr1992Cys; replaces tyrosine 1992 with cysteine.
Molecular consequence: missense variant.
Genome position (GRCh38, 1-based): chr12:40,340,320, A>G. VCF-style: chr12-40340320-A-G. GRCh37 (hg19) VCF-style: chr12-40734122-A-G.
Other names: short protein forms Y1992C.
Identifiers: ClinVar variation 3540667 (VCV003540667.1).
Genomic context (GRCh38, chr12:40,340,320, plus strand): 5'-ATTTGAATAAGATTTCCTGTGCATTTTCTGGCAGATACCTCCACTCAGCCATGATTATAT[A>G]CCGAGACCTGAAACCCCACAATGTGCTGCTTTTCACACTGTATCCCAATGCTGCCATCAT-3'
Protein context (NP_940980.4, residues 1982-2002): LRYLHSAMII[Tyr1992Cys]RDLKPHNVLL

ClinVar aggregate classification (germline): Uncertain significance (1 of 4 stars; one submission).

Conditions:
Inborn genetic diseases. Identifiers: MedGen C0950123, MeSH D030342.

Submission:

Ambry Genetics
Classification: Uncertain significance for Inborn genetic diseases. Last evaluated: 2024-09-09. Review status: criteria provided, single submitter. Criteria: Ambry Variant Classification Scheme 2023. Collection method: clinical testing. Allele origin: germline.
Comment: The p.Y1992C variant (also known as c.5975A>G), located in coding exon 41 of the LRRK2 gene, results from an A to G substitution at nucleotide position 5975. The tyrosine at codon 1992 is replaced by cysteine, an amino acid with highly dissimilar properties. This amino acid position is conserved. In addition, this alteration is predicted to be deleterious by in silico analysis. Based on the available evidence, the clinical significance of this variant remains unclear.